The following is an entry in ClinVar:

NM_001098511.3(KIF2A):c.708del (p.Glu237fs)

Gene: KIF2A (kinesin family member 2A; plus strand). Cytogenetic location: 5q12.1.
Variant type: Deletion.
Coding change: c.708del on transcript NM_001098511.3 (MANE Select); coding-DNA position 708, one base deleted (A; older notation c.708delA).
Protein change: p.Glu237fs; shifts the reading frame from glutamic acid 237.
Molecular consequence: frameshift variant.
Genome position (GRCh38, 1-based): chr5:62,357,744, A deleted; the last of 6 consecutive A bases (chr5:62,357,739-62,357,744); deleting any one gives the same sequence. VCF-style (leftmost placement, unchanged base first): chr5-62357738-TA-T. GRCh37 (hg19) VCF-style: chr5-61653565-TA-T.
Other names: c.627del, p.Glu210fs (NM_001243952.2); c.651del, p.Glu218fs (NM_001243953.2); c.708del, p.Glu237fs (NM_004520.5); short protein forms E210fs, E218fs, E237fs.
Identifiers: ClinVar variation 1522725 (VCV001522725.6), dbSNP rs2111940845, ClinGen allele CA2573139777.

ClinVar aggregate classification (germline): Uncertain significance (1 of 4 stars; one submission).

Submission:

Labcorp Genetics (formerly Invitae), Labcorp
Classification: Uncertain significance. Last evaluated: 2022-03-19. Review status: criteria provided, single submitter. Criteria: Invitae Variant Classification Sherloc (09022015). Collection method: clinical testing. Allele origin: germline.
Comment: In summary, the available evidence is currently insufficient to determine the role of this variant in disease. Therefore, it has been classified as a Variant of Uncertain Significance. This sequence change creates a premature translational stop signal (p.Glu237Lysfs*4) in the KIF2A gene. It is expected to result in an absent or disrupted protein product. However, the current clinical and genetic evidence is not sufficient to establish whether loss-of-function variants in KIF2A cause disease. This variant is not present in population databases (gnomAD no frequency). This variant has not been reported in the literature in individuals affected with KIF2A-related conditions.